The following is an entry in ClinVar:

ClinVar aggregate classification (germline): Conflicting classifications of pathogenicity. Review status: criteria provided, conflicting classifications (1 of 4 stars). 19 submissions from 19 submitters: Uncertain significance (6); Benign (1); Likely benign (10). 2 of the submissions do not count toward it. Last evaluated 2026-09-01.

Conditions:
APOB-related disorder. Also called: APOB-related disorders; APOB-related condition.
Cardiovascular phenotype. Identifiers: MedGen CN230736.
Familial hypobetalipoproteinemia 1. Also called: Hypobetalipoproteinemia, normotriglyceridemic; Acanthocytosis with hypobetalipoproteinemia; APOB-Related Familial Hypobetalipoproteinemia. Identifiers: MedGen C4551990, MONDO:0014252, OMIM 615558.
Hypercholesterolemia, autosomal dominant, type B (FHCL2). Also called: APOB-Related Familial Hypercholesterolemia, Autosomal Dominant; Familial hypercholesterolemia 2; APOLIPOPROTEIN B-100, FAMILIAL DEFECTIVE; APOLIPOPROTEIN B-100, FAMILIAL LIGAND-DEFECTIVE; Familial Hypercholesterolemia Type B; Hyperlipoproteinemia Type IIb. Identifiers: MedGen C1704417, MONDO:0007751, OMIM 144010.
Familial hypercholesterolemia. Also called: Familial hypercholesterolaemia; Familial hypercholesterolemias. Identifiers: MedGen C0020445, MONDO:0005439.
Hypercholesterolemia, familial, 1. Also called: LDL RECEPTOR DISORDER; Hyperlipoproteinemia Type IIa; HYPER-LOW-DENSITY-LIPOPROTEINEMIA; HYPERCHOLESTEROLEMIC XANTHOMATOSIS, FAMILIAL; Fredrickson type IIa hyperlipoproteinemia; Hyperlipoproteinemia type 2. Identifiers: Orphanet 391665, MedGen C0745103, MONDO:0007750, OMIM 143890.

Allele frequency attached by ClinVar (database versions not stated): 1000 Genomes Project 0.00100; 1000 Genomes Project 30x 0.00109; ExAC 0.00138; TOPMed 0.00186; ESP Exome Variant Server 0.00192; gnomAD 0.00198; gnomAD exomes 0.00247.
gnomAD v4.1: 3,883 of 1,614,128 alleles (0.24%); highest among the groups gnomAD compares: Non-Finnish European, 0.29%; 6 homozygotes.

Submissions (19):

CeGaT Center for Human Genetics Tuebingen
Classification: Likely benign. Last evaluated: 2026-09-01. Review status: criteria provided, single submitter. Criteria: CeGaT Center For Human Genetics Tuebingen Variant Classification Criteria Version 2. Collection method: clinical testing. Allele origin: germline. Affected: yes. Observed: 13 variant alleles.
Comment: APOB: BP4, BS2

Molecular Diagnostic Laboratory for Inherited Cardiovascular Disease, Montreal Heart Institute
Classification: Likely benign. Last evaluated: 2026-03-27. Review status: criteria provided, single submitter. Criteria: ACMG Guidelines, 2015. Collection method: clinical testing. Allele origin: germline. Affected: no.

PreventionGenetics, part of Exact Sciences
Classification: Uncertain significance for APOB-related condition. Last evaluated: 2026-03-16. Review status: criteria provided, single submitter. Criteria: ACMG Guidelines, 2015. Collection method: clinical testing. Allele origin: germline.
Comment: The APOB c.3427C>T variant is predicted to result in the amino acid substitution p.Pro1143Ser. This variant has been reported in individuals with hypercholesterolemia or high HDL-C level (Leren et al. 2008. PubMed ID: 18710658; Motazacker et al. 2013. PubMed ID: 23685560. Table SIV). However, it has also been reported in individuals with low lipid or triglyceride levels (Neale et al. 2011. PubMed ID: 21408211; Xing et al. 2012. PubMed ID: 22256951). This variant is reported in 0.28% of alleles in individuals of European (Non-Finnish) descent in gnomAD. In Clinvar, this variant has conflicting interpretations of likely benign and uncertain significance (Variation ID: 237744). Although we suspect that this variant may be benign, at this time, the clinical significance of this variant is uncertain due to the absence of conclusive functional and genetic evidence.

Labcorp Genetics (formerly Invitae), Labcorp
Classification: Likely benign for Familial hypobetalipoproteinemia 1; Hypercholesterolemia, autosomal dominant, type B. Last evaluated: 2026-01-28. Review status: criteria provided, single submitter. Criteria: Invitae Variant Classification Sherloc (09022015). Collection method: clinical testing. Allele origin: germline.

ARUP Laboratories, Molecular Genetics and Genomics, ARUP Laboratories
Classification: Likely benign. Last evaluated: 2025-06-05. Review status: criteria provided, single submitter. Criteria: ARUP Molecular Germline Variant Investigation Process 2024. Collection method: clinical testing. Allele origin: germline.

Mayo Clinic Laboratories, Mayo Clinic
Classification: Likely benign. Last evaluated: 2025-05-20. Review status: criteria provided, single submitter. Criteria: ACMG Guidelines, 2015. Collection method: clinical testing. Allele origin: germline. Observed: 7 variant alleles.

Quest Diagnostics Nichols Institute San Juan Capistrano
Classification: Likely benign. Last evaluated: 2024-12-12. Review status: criteria provided, single submitter. Criteria: Quest Diagnostics criteria. Collection method: clinical testing. Allele origin: unknown.

Blueprint Genetics
Classification: Likely benign. Last evaluated: 2024-11-26. Review status: criteria provided, single submitter. Criteria: ACMG Guidelines, 2015. Collection method: clinical testing. Allele origin: germline.

GENinCode PLC
Classification: Benign for Familial hypercholesterolemia. Last evaluated: 2022-08-24. Review status: criteria provided, single submitter. Criteria: ACMG Guidelines, 2015. Collection method: clinical testing. Allele origin: germline.

Centre of Medical Genetics, University Hospital Muenster
Classification: Uncertain significance. Last evaluated: 2022-05-10. Review status: criteria provided, single submitter. Criteria: ACMG Guidelines, 2015. Collection method: clinical testing. Allele origin: unknown. Affected: yes. Observed: 1 variant allele, 1 heterozygote.
Comment: ACMG categories: BS2

Ambry Genetics
Classification: Likely benign for Cardiovascular phenotype. Last evaluated: 2021-11-17. Review status: criteria provided, single submitter. Criteria: Ambry Variant Classification Scheme 2023. Collection method: clinical testing. Allele origin: germline.

GeneDx
Classification: Likely benign. Last evaluated: 2019-07-23. Review status: criteria provided, single submitter. Criteria: GeneDx Variant Classification Process June 2021. Collection method: clinical testing. Allele origin: germline. Affected: yes.
Comment: This variant is associated with the following publications: (PMID: 22256951, 18710658)

Color Diagnostics, LLC DBA Color Health
Classification: Likely benign for Familial hypercholesterolemias. Last evaluated: 2018-05-09. Review status: criteria provided, single submitter. Criteria: ACMG Guidelines, 2015. Collection method: clinical testing. Allele origin: germline.
Comment: Likely Benign based on current evidence: This variant (also known as p.Pro1116Ser in the mature protein) is a missense variant located in the beta 1 domain of the APOB protein. Computational prediction tools and conservation analyses suggest that this variant may not impact the protein function. Computational splicing tools suggest that this variant may not impact the RNA splicing. To our knowledge, functional assays have not been performed for this variant. This variant allele frequency is greater than expected for the disorder based on prevalence, penetrance, and genetic heterogeneity. Based on available evidence, this variant is classified as Likely Benign.

Robarts Research Institute, Western University
Classification: Uncertain significance for Hypercholesterolemia, familial, 1. Last evaluated: 2018-01-02. Review status: criteria provided, single submitter. Criteria: ACMG Guidelines, 2015. Collection method: clinical testing. Allele origin: germline. Inheritance: Autosomal dominant inheritance. Affected: yes.

Illumina Laboratory Services, Illumina
Classification: Uncertain significance for Hypercholesterolemia, autosomal dominant, type B. Last evaluated: 2017-04-27. Review status: criteria provided, single submitter. Criteria: ICSL Variant Classification Criteria 13 December 2019. Collection method: clinical testing. Allele origin: germline.
Comment: This variant was observed as part of a predisposition screen in an ostensibly healthy population. A literature search was performed for the gene, cDNA change, and amino acid change (where applicable). Publications were found based on this search. However, the evidence from the literature, in combination with allele frequency data from public databases where available, was not sufficient to rule this variant in or out of causing disease. Therefore, this variant is classified as a variant of unknown significance.

Laboratory for Molecular Medicine, Mass General Brigham Personalized Medicine
Classification: Uncertain significance. Last evaluated: 2016-03-28. Review status: criteria provided, single submitter. Criteria: LMM Criteria. Collection method: clinical testing. Allele origin: germline.
Comment: Variant identified in a genome or exome case(s) and assessed due to predicted null impact of the variant or pathogenic assertions in the literature or databases. Disclaimer: This variant has not undergone full assessment. The following are preliminary notes: 1 paper, no segs, ExAC: 0.2% European chromosomes

Laboratory of Genetics and Molecular Cardiology, University of São Paulo
Classification: Uncertain significance for Familial hypercholesterolemia. Last evaluated: 2016-03-01. Review status: criteria provided, single submitter. Criteria: ACMG Guidelines, 2015. Collection method: research. Allele origin: germline. Study: HipercolBrasil.

Clinical Genetics DNA and cytogenetics Diagnostics Lab, Erasmus MC, Erasmus Medical Center
Classification: Likely benign. Review status: no assertion criteria provided. Collection method: clinical testing. Allele origin: germline. Affected: yes. Study: VKGL Data-share Consensus. Not counted in ClinVar's aggregate classification.

Clinical Genetics, Academic Medical Center
Classification: Benign. Review status: no assertion criteria provided. Collection method: clinical testing. Allele origin: germline. Affected: yes. Study: VKGL Data-share Consensus. Not counted in ClinVar's aggregate classification.

Literature cited by the submitters: PubMed 18710658 (cited by 3 submitters); PubMed 21408211 (cited by Mayo Clinic Laboratories, Mayo Clinic); PubMed 37937776 (cited by Quest Diagnostics Nichols Institute San Juan Capistrano); PubMed 22256951 (cited by Quest Diagnostics Nichols Institute San Juan Capistrano); PubMed 23685560 (cited by Quest Diagnostics Nichols Institute San Juan Capistrano).

NM_000384.3(APOB):c.3427C>T (p.Pro1143Ser)

Gene: APOB (apolipoprotein B; minus strand). Cytogenetic location: 2p24.1.
Variant type: single nucleotide variant.
Coding change: c.3427C>T on transcript NM_000384.3 (MANE Select); coding-DNA position 3427, C replaced by T.
Protein change: p.Pro1143Ser; replaces proline 1143 with serine.
Molecular consequence: missense variant.
Genome position (GRCh38, 1-based): chr2:21,015,451, G>A on the plus strand (C>T on the coding strand, the complement: APOB is on the minus strand). VCF-style: chr2-21015451-G-A. GRCh37 (hg19) VCF-style: chr2-21238323-G-A.
Other names: short protein forms P1143S.
Identifiers: ClinVar variation 237744 (VCV000237744.82), dbSNP rs72653077, ClinGen allele CA058842.